The following is an entry in ClinVar:

ClinVar aggregate classification (germline): Uncertain significance (1 of 4 stars; one submission).

Conditions:
Mosaic variegated aneuploidy syndrome 1 (MVA1). Also called: Warburton-Anyane-Yeboa syndrome. Identifiers: Orphanet 1052, MedGen C1850343, MONDO:0009759, OMIM 257300.

gnomAD v4.1: 9 of 1,611,660 alleles (0.00056%); highest among the groups gnomAD compares: Middle Eastern, 0.019%; no homozygotes.

Submission:

Labcorp Genetics (formerly Invitae), Labcorp
Classification: Uncertain significance for Mosaic variegated aneuploidy syndrome 1. Last evaluated: 2024-12-15. Review status: criteria provided, single submitter. Criteria: Invitae Variant Classification Sherloc (09022015). Collection method: clinical testing. Allele origin: germline.
Comment: This sequence change replaces serine, which is neutral and polar, with cysteine, which is neutral and slightly polar, at codon 529 of the BUB1B protein (p.Ser529Cys). This variant is not present in population databases (gnomAD no frequency). This variant has not been reported in the literature in individuals affected with BUB1B-related conditions. An algorithm developed to predict the effect of missense changes on protein structure and function (PolyPhen-2) suggests that this variant is likely to be disruptive. In summary, the available evidence is currently insufficient to determine the role of this variant in disease. Therefore, it has been classified as a Variant of Uncertain Significance.

NM_001211.6(BUB1B):c.1586C>G (p.Ser529Cys)

Gene: BUB1B (BUB1 mitotic checkpoint serine/threonine kinase B; plus strand). Cytogenetic location: 15q15.1.
Variant type: single nucleotide variant.
Coding change: c.1586C>G on transcript NM_001211.6 (MANE Select); coding-DNA position 1586, C replaced by G.
Protein change: p.Ser529Cys; replaces serine 529 with cysteine.
Molecular consequence: missense variant.
Genome position (GRCh38, 1-based): chr15:40,202,423, C>G. VCF-style: chr15-40202423-C-G. GRCh37 (hg19) VCF-style: chr15-40494624-C-G.
Other names: short protein forms S529C.
Identifiers: ClinVar variation 3725238 (VCV003725238.2).